The following is an entry in ClinVar:

NM_001035.3(RYR2):c.506G>T (p.Arg169Leu)

Gene: RYR2 (ryanodine receptor 2; plus strand). Cytogenetic location: 1q43.
Variant type: single nucleotide variant.
Coding change: c.506G>T on transcript NM_001035.3 (MANE Select); coding-DNA position 506, G replaced by T.
Protein change: p.Arg169Leu; replaces arginine 169 with leucine.
Molecular consequence: missense variant.
Genome position (GRCh38, 1-based): chr1:237,377,365, G>T. VCF-style: chr1-237377365-G-T. GRCh37 (hg19) VCF-style: chr1-237540665-G-T.
Other names: c.506G>T, p.Arg169Leu (LRG_402t1); short protein forms R169L.
Identifiers: ClinVar variation 372582 (VCV000372582.3), dbSNP rs397516539, ClinGen allele CA16042319.
Genomic context (GRCh38, chr1:237,377,365, plus strand): 5'-ATATCCGTATATCTGCAGGGGAGGCTTGTTGGTGGACCATACACCCTGCCTCTAAGCAGC[G>T]ATCAGAAGGAGAAAAAGTACGAGTTGGAGATGACCTCATCTTAGTTAGCGTGTCCTCTGA-3'
Protein context (NP_001026.2, residues 159-179): WWTIHPASKQ[Arg169Leu]SEGEKVRVGD

ClinVar aggregate classification (germline): Pathogenic/Likely pathogenic. Review status: criteria provided, multiple submitters, no conflicts (2 of 4 stars). 2 submissions from 2 submitters: Pathogenic (1); Likely pathogenic (1). Last evaluated 2019-03-04.

Conditions:
Cardiovascular phenotype. Identifiers: MedGen CN230736.

Submissions (2):

Ambry Genetics
Classification: Likely pathogenic for Cardiovascular phenotype. Last evaluated: 2019-03-04. Review status: criteria provided, single submitter. Criteria: Ambry Variant Classification Scheme 2023. Collection method: clinical testing. Allele origin: germline.
Comment: The p.R169L variant (also known as c.506G>T), located in coding exon 8 of the RYR2 gene, results from a G to T substitution at nucleotide position 506. The arginine at codon 169 is replaced by leucine, an amino acid with dissimilar properties. This variant was reported as de novo in one individual with a history of syncope, who was part of a catecholaminergic polymorphic ventricular tachycardia (CPVT) testing cohort (Ohno S et al. PLoS ONE, 2015 Jun;10:e0131517). An alternate amino acid substitution at this position, p.R169Q, has also been reported in CPVT cohorts, including two apparently de novo cases (Hsueh CH et al. Int J Cardiol. 2006;108:276-8; Ohno S et al. PLoS ONE, 2015 Jun;10:e0131517). This amino acid position is highly conserved in available vertebrate species. In addition, this alteration is predicted to be deleterious by in silico analysis. Based on the majority of available evidence to date, this variant is likely to be pathogenic.

GeneDx
Classification: Pathogenic. Last evaluated: 2015-03-16. Review status: criteria provided, single submitter. Criteria: GeneDx Variant Classification (06012015). Collection method: clinical testing. Allele origin: germline. Affected: yes.
Comment: While the R169L variant in the RYR2 gene has not been reported to our knowledge, a pathogenic variant affectingthis same residue, R169Q, has been reported in association with exercised induced ventricular tachycardiaand was absent in 100 reference alleles (Hsueh C et al., 2006). Additionally, variants in nearby residues(P164S, A165D, R176Q) have been reported in HGMD in association with polymorphic ventriculartachycardia and arrhythmogenic right ventricular dysplasia type 2 (Stenson P et al., 2014). Furthermore,R169L is located in one of the three hot-spot regions of the RYR2 gene, where the majority of pathogenicmissense variants occur (Medeiros-Domingo et al., 2009). R169L results in a non-conservative amino acid substitution at a position that is conserved across species. In silico analysis predicts is damaging to theprotein structure/function. Finally, the R169L variant was not observed in approximately 6100 individualsof European and African American ancestry in the NHLBI Exome Sequencing Project, indicating it is nota common benign variant in these populations. In summary, R169L in the RYR2 gene is interpreted as a pathogenic variant.

Literature cited by the submitters: PubMed 26114861 (cited by Ambry Genetics).